The following is an entry in ClinVar:

NM_004360.5(CDH1):c.1008+7_1008+13del

Gene: CDH1 (cadherin 1; plus strand). Cytogenetic location: 16q22.1.
Variant type: Microsatellite.
Coding change: c.1008+7_1008+13del on transcript NM_004360.5 (MANE Select); bases 7 to 13 of the intron after coding-DNA position 1008, 7 bases deleted (GGTCAGG; older notation c.1008+7_1008+13delGGTCAGG).
Molecular consequence: splice donor variant.
Genome position (GRCh38, 1-based): chr16:68,811,866-68,811,872, GGTCAGG deleted; deleting any 7 consecutive bases within chr16:68,811,859-68,811,872 gives the same sequence; the c. name uses the placement nearest the transcript's 3' end. VCF-style (leftmost placement, unchanged base first): chr16-68811858-AGGTCAGG-A. GRCh37 (hg19) VCF-style: chr16-68845761-AGGTCAGG-A.
Other names: c.-608+7_-608+13del (NM_001317185.2); c.-812+7_-812+13del (NM_001317186.2); c.1008+7_1008+13del (NM_001317184.2).
Identifiers: ClinVar variation 3378963 (VCV003378963.1).

ClinVar aggregate classification (germline): Likely benign (1 of 4 stars; one submission).

Conditions:
Hereditary diffuse gastric adenocarcinoma (HDGC). Also called: DIFFUSE GASTRIC AND LOBULAR BREAST CANCER SYNDROME. Identifiers: Orphanet 26106, MedGen C1708349, MONDO:0007648, OMIM 137215.

Submission:

Myriad Genetics, Inc.
Classification: Likely benign for Hereditary diffuse gastric adenocarcinoma. Last evaluated: 2024-09-17. Review status: criteria provided, single submitter. Criteria: Myriad Autosomal Dominant, Autosomal Recessive and X-Linked Classification Criteria (2023). Collection method: clinical testing. Allele origin: unknown.
Comment: This variant is considered likely benign. This variant is intronic and is not expected to impact mRNA splicing.